The following is an entry in ClinVar:

NM_001005273.3(CHD3):c.5798_5806delinsAAG (p.Ala1933_Ser1936delinsGluGly)

Gene: CHD3 (chromodomain helicase DNA binding protein 3; plus strand). Cytogenetic location: 17p13.1.
Variant type: Indel.
Coding change: c.5798_5806delinsAAG on transcript NM_001005273.3 (MANE Select); coding-DNA positions 5798 to 5806, CGGCCTTCA replaced by AAG.
Protein change: p.Ala1933_Ser1936delinsGluGly.
Molecular consequence: inframe indel.
Genome position (GRCh38, 1-based): chr17:7,910,890-7,910,898, CGGCCTTCA replaced by AAG. VCF-style: chr17-7910890-CGGCCTTCA-AAG. GRCh37 (hg19) VCF-style: chr17-7814208-CGGCCTTCA-AAG.
Other names: c.5975_5983delinsAAG, p.Ala1992_Ser1995delinsGluGly (NM_001005271.3); c.6021_6029delinsAAG, p.Gly2008_Gln2010delinsArg (NM_001437504.1); c.5963_5971delinsAAG, p.Ala1988_Ser1991delinsGluGly (NM_001437507.1); c.5861_5869delinsAAG, p.Ala1954_Ser1957delinsGluGly (NM_001437508.1); c.5966_5974delinsAAG, p.Ala1989_Ser1992delinsGluGly (NM_001437509.1); c.5696_5704delinsAAG, p.Ala1899_Ser1902delinsGluGly (NM_005852.4).
Identifiers: ClinVar variation 4976493 (VCV004976493.1).
Genomic context (GRCh38, chr17:7,910,890, plus strand): 5'-CTTCCTCTCTGTTCCAGGCCTACCCGCCGGGTCCCTACGCTACACCTCCGGGGTACGGGG[CGGCCTTCA>AAG]GCGCCGCACCCGTAGGGGCCCTGGCCGCCGCAGGCGCCAATTACAGCCAGATGCCTGCAG-3'

ClinVar aggregate classification (germline): Uncertain significance (1 of 4 stars; one submission).

Submission:

GeneDx
Classification: Uncertain significance. Last evaluated: 2026-02-10. Review status: criteria provided, single submitter. Criteria: GeneDx Variant Classification Process June 2021. Collection method: clinical testing. Allele origin: germline.
Comment: Not observed at significant frequency in large population cohorts (gnomAD); In-frame deletion of 4 amino acid(s) and insertion of 2 different amino acid(s) in a non-repeat region; In silico analysis supports a deleterious effect on protein structure/function; Has not been previously published as pathogenic or benign to our knowledge